The following is an entry in ClinVar:

ClinVar aggregate classification (germline): Uncertain significance (1 of 4 stars; one submission).

Submission:

GeneDx
Classification: Uncertain significance. Last evaluated: 2022-08-06. Review status: criteria provided, single submitter. Criteria: GeneDx Variant Classification Process June 2021. Collection method: clinical testing. Allele origin: germline. Affected: yes.
Comment: Not observed at significant frequency in large population cohorts (gnomAD); In silico analysis supports that this missense variant has a deleterious effect on protein structure/function; Has not been previously published as pathogenic or benign to our knowledge

NM_018896.5(CACNA1G):c.5351C>A (p.Thr1784Asn)

Gene: CACNA1G (calcium voltage-gated channel subunit alpha1 G; plus strand). Cytogenetic location: 17q21.33.
Variant type: single nucleotide variant.
Coding change: c.5351C>A on transcript NM_018896.5 (MANE Select); coding-DNA position 5351, C replaced by A.
Protein change: p.Thr1784Asn; replaces threonine 1784 with asparagine.
Molecular consequence: missense variant. On other transcripts: non-coding transcript variant (5).
Genome position (GRCh38, 1-based): chr17:50,618,267, C>A. VCF-style: chr17-50618267-C-A. GRCh37 (hg19) VCF-style: chr17-48695628-C-A.
Other names: c.5297C>A, p.Thr1766Asn (NM_001256324.2, NM_198386.3); c.5372C>A, p.Thr1791Asn (NM_001256325.2); c.5216C>A, p.Thr1739Asn (NM_001256326.2, NM_001256330.2); c.5330C>A, p.Thr1777Asn (NM_001256327.2); c.5276C>A, p.Thr1759Asn (NM_001256328.2); c.5249C>A, p.Thr1750Asn (NM_001256329.2, NM_198376.3, NM_198379.3 and 2 more transcripts); c.5195C>A, p.Thr1732Asn (NM_001256331.2); c.5180C>A, p.Thr1727Asn (NM_001256332.2); and 7 more; short protein forms T1727N, T1732N, T1739N, T1743N, T1746N, T1748N, T1750N, T1757N.
Identifiers: ClinVar variation 2428874 (VCV002428874.3), dbSNP rs2545750392, ClinGen allele CA400264233.